The following is an entry in ClinVar:

NM_002203.4(ITGA2):c.812G>A (p.Arg271Gln)

Gene: ITGA2 (integrin subunit alpha 2; plus strand). Cytogenetic location: 5q11.2.
Variant type: single nucleotide variant.
Coding change: c.812G>A on transcript NM_002203.4 (MANE Select); coding-DNA position 812, G replaced by A.
Protein change: p.Arg271Gln; replaces arginine 271 with glutamine.
Molecular consequence: missense variant. On other transcripts: non-coding transcript variant (5).
Genome position (GRCh38, 1-based): chr5:53,055,570, G>A. VCF-style: chr5-53055570-G-A. GRCh37 (hg19) VCF-style: chr5-52351400-G-A.
Other names: short protein forms R271Q.
Identifiers: ClinVar variation 4977021 (VCV004977021.1).

ClinVar aggregate classification (germline): Uncertain significance (1 of 4 stars; one submission).

Conditions:
ITGA2-related disorder. Also called: ITGA2-related condition.

gnomAD v4.1: 31 of 1,612,972 alleles (0.0019%); highest among the groups gnomAD compares: African/African-American, 0.027%; no homozygotes.

Submission:

PreventionGenetics, part of Exact Sciences
Classification: Uncertain significance for ITGA2-related condition. Last evaluated: 2025-09-22. Review status: criteria provided, single submitter. Criteria: ACMG Guidelines, 2015. Collection method: clinical testing. Allele origin: germline.
Comment: The ITGA2 c.812G>A variant is predicted to result in the amino acid substitution p.Arg271Gln. To our knowledge, this variant has not been reported in the literature. This variant is reported in 0.020% of alleles in individuals of African descent in gnomAD. At this time, the clinical significance of this variant is uncertain due to the absence of conclusive functional and genetic evidence.